The following is an entry in ClinVar:

NM_206933.4(USH2A):c.7061G>C (p.Arg2354Pro)

Gene: USH2A (usherin; minus strand). Cytogenetic location: 1q41.
Variant type: single nucleotide variant.
Coding change: c.7061G>C on transcript NM_206933.4 (MANE Select); coding-DNA position 7061, G replaced by C.
Protein change: p.Arg2354Pro; replaces arginine 2354 with proline.
Molecular consequence: missense variant.
Genome position (GRCh38, 1-based): chr1:215,965,376, C>G on the plus strand (G>C on the coding strand, the complement: USH2A is on the minus strand). VCF-style: chr1-215965376-C-G. GRCh37 (hg19) VCF-style: chr1-216138718-C-G.
Other names: short protein forms R2354P.
Identifiers: ClinVar variation 1506557 (VCV001506557.5), dbSNP rs201386640, ClinGen allele CA1394957.

ClinVar aggregate classification (germline): Uncertain significance (1 of 4 stars; one submission).

gnomAD v4.1: 5 of 1,613,806 alleles (0.00031%); highest among the groups gnomAD compares: Middle Eastern, 0.033%; no homozygotes.

Submission:

Labcorp Genetics (formerly Invitae), Labcorp
Classification: Uncertain significance. Last evaluated: 2022-07-06. Review status: criteria provided, single submitter. Criteria: Invitae Variant Classification Sherloc (09022015). Collection method: clinical testing. Allele origin: germline.
Comment: This sequence change replaces arginine, which is basic and polar, with proline, which is neutral and non-polar, at codon 2354 of the USH2A protein (p.Arg2354Pro). This variant is present in population databases (rs201386640, gnomAD no frequency). This variant has not been reported in the literature in individuals affected with USH2A-related conditions. ClinVar contains an entry for this variant (Variation ID: 1506557). Algorithms developed to predict the effect of missense changes on protein structure and function are either unavailable or do not agree on the potential impact of this missense change (SIFT: "Tolerated"; PolyPhen-2: "Benign"; Align-GVGD: "Class C25"). In summary, the available evidence is currently insufficient to determine the role of this variant in disease. Therefore, it has been classified as a Variant of Uncertain Significance.